The following is an entry in ClinVar:

ClinVar aggregate classification (germline): Uncertain significance (1 of 4 stars; one submission).

Conditions:
Congenital hyperammonemia, type I. Also called: Carbamoyl phosphate synthetase I deficiency disease; Carbamoyl phosphate synthetase 1 deficiency; Hyperammonemia due to carbamoyl phosphate synthetase 1 deficiency; CPS 1 deficiency; Carbamyl phosphate synthetase (CPS) deficiency; Carbamoyl-phosphate synthase I deficiency. Identifiers: Orphanet 147, MedGen C4082171, MONDO:0009376, OMIM 237300.

Submission:

Labcorp Genetics (formerly Invitae), Labcorp
Classification: Uncertain significance for Congenital hyperammonemia, type I. Last evaluated: 2022-07-27. Review status: criteria provided, single submitter. Criteria: Invitae Variant Classification Sherloc (09022015). Collection method: clinical testing. Allele origin: germline.
Comment: In summary, the available evidence is currently insufficient to determine the role of this variant in disease. Therefore, it has been classified as a Variant of Uncertain Significance. Algorithms developed to predict the effect of missense changes on protein structure and function are either unavailable or do not agree on the potential impact of this missense change (SIFT: "Deleterious"; PolyPhen-2: "Probably Damaging"; Align-GVGD: "Class C0"). This variant has not been reported in the literature in individuals affected with CPS1-related conditions. This variant is not present in population databases (gnomAD no frequency). This sequence change replaces alanine, which is neutral and non-polar, with glutamic acid, which is acidic and polar, at codon 467 of the CPS1 protein (p.Ala467Glu).

NM_001875.5(CPS1):c.1400C>A (p.Ala467Glu)

Gene: CPS1 (carbamoyl-phosphate synthase 1; plus strand). Cytogenetic location: 2q34.
Variant type: single nucleotide variant.
Coding change: c.1400C>A on transcript NM_001875.5 (MANE Select); coding-DNA position 1400, C replaced by A.
Protein change: p.Ala467Glu; replaces alanine 467 with glutamic acid.
Molecular consequence: missense variant. On other transcripts: non-coding transcript variant (2).
Genome position (GRCh38, 1-based): chr2:210,599,412, C>A. VCF-style: chr2-210599412-C-A. GRCh37 (hg19) VCF-style: chr2-211464136-C-A.
Other names: c.1400C>A, p.Ala467Glu (NM_001122633.3, NM_001369257.1); c.1433C>A, p.Ala478Glu (NM_001369256.1); short protein forms A467E, A478E.
Identifiers: ClinVar variation 1713996 (VCV001713996.4), dbSNP rs746395584, ClinGen allele CA350435228.